The following is an entry in ClinVar:

ClinVar aggregate classification (germline): Uncertain significance (1 of 4 stars; one submission).

gnomAD v4.1: 1 of 1,614,144 alleles (0.000062%); highest among the groups gnomAD compares: African/African-American, 0.0013%; no homozygotes.

Submission:

GeneDx
Classification: Uncertain significance. Last evaluated: 2025-07-25. Review status: criteria provided, single submitter. Criteria: GeneDx Variant Classification Process June 2021. Collection method: clinical testing. Allele origin: germline. Affected: yes.
Comment: Not observed at significant frequency in large population cohorts (gnomAD); In silico analysis supports that this missense variant has a deleterious effect on protein structure/function; Has not been previously published as pathogenic or benign to our knowledge

NM_005068.3(SIM1):c.502T>G (p.Leu168Val)

Gene: SIM1 (SIM bHLH transcription factor 1; minus strand). Cytogenetic location: 6q16.3.
Variant type: single nucleotide variant.
Coding change: c.502T>G on transcript NM_005068.3 (MANE Select); coding-DNA position 502, T replaced by G.
Protein change: p.Leu168Val; replaces leucine 168 with valine.
Molecular consequence: missense variant.
Genome position (GRCh38, 1-based): chr6:100,449,404, A>C on the plus strand (T>G on the coding strand, the complement: SIM1 is on the minus strand). VCF-style: chr6-100449404-A-C. GRCh37 (hg19) VCF-style: chr6-100897280-A-C.
Other names: c.502T>G, p.Leu168Val (NM_001374769.1); short protein forms L168V.
Identifiers: ClinVar variation 4687089 (VCV004687089.1).